The following is an entry in ClinVar:

NC_012920.1(MT-CO3):m.9301C>T

Gene: MT-CO3 (mitochondrially encoded cytochrome c oxidase III; plus strand).
Variant type: single nucleotide variant.
Genome position: chrM-9301-C-T.
Identifiers: ClinVar variation 693142 (VCV000693142.1), dbSNP rs1603222227, ClinGen allele CA414802635.

ClinVar aggregate classification (germline): Likely benign (1 of 4 stars; one submission).

Conditions:
Leigh syndrome (NULS). Also called: Leigh's necrotizing encephalopathy; Leigh's disease; Leigh Syndrome (mtDNA deletion); Leigh Disease; Subacute necrotizing encephalopathy; Necrotizing encephalopathy infantile subacute of Leigh. Identifiers: Orphanet 506, MedGen C2931891, MONDO:0009723, OMIM 256000.

Submission:

Wong Mito Lab, Molecular and Human Genetics, Baylor College of Medicine
Classification: Likely benign for Leigh syndrome. Last evaluated: 2019-10-17. Review status: criteria provided, single submitter. Criteria: Modified ACMG Guidelines (Unpublished). Collection method: clinical testing. Allele origin: germline.
Comment: The NC_012920.1:m.9301C>T (YP_003024032.1:p.Ala32Val) variant in MTCO3 gene is interpretated to be a Likely Benign variant based on the modified ACMG guidelines (unpublished). This variant meets the following evidence codes: BS1, BP4